The following is an entry in ClinVar:

ClinVar aggregate classification (germline): Likely pathogenic (1 of 4 stars; one submission).

Conditions:
Familial cancer of breast. Also called: hereditary breast carcinoma; Hereditary breast cancer; BREAST CANCER, FAMILIAL. Identifiers: Orphanet 227535, MedGen C0346153, MONDO:0016419, OMIM 114480. Disease mechanism: loss of function.

Submission:

Myriad Genetics, Inc.
Classification: Likely pathogenic for Familial cancer of breast. Last evaluated: 2024-08-05. Review status: criteria provided, single submitter. Criteria: Myriad Autosomal Dominant, Autosomal Recessive and X-Linked Classification Criteria (2023). Collection method: clinical testing. Allele origin: unknown.
Comment: This variant is considered likely pathogenic. This variant occurs within a consensus splice junction and is predicted to result in abnormal mRNA splicing of either an out-of-frame exon or an in-frame exon necessary for protein stability and/or normal function.

NM_000051.4(ATM):c.4110-19_4115del

Gene: ATM (ATM serine/threonine kinase; plus strand). Cytogenetic location: 11q22.3.
Variant type: Deletion.
Coding change: c.4110-19_4115del on transcript NM_000051.4 (MANE Select); 19 bases into the intron before coding-DNA position 4110 through coding-DNA position 4115, 25 bases deleted (TTTCCCTTAACTCTGTTAGGGATTT).
Molecular consequence: splice acceptor variant.
Genome position (GRCh38, 1-based): chr11:108,288,958-108,288,982, TTTCCCTTAACTCTGTTAGGGATTT deleted; deleting any 25 consecutive bases within chr11:108,288,954-108,288,982 gives the same sequence; the c. name uses the placement nearest the transcript's 3' end. VCF-style (leftmost placement, unchanged base first): chr11-108288953-TATTTTTTCCCTTAACTCTGTTAGGG-T. GRCh37 (hg19) VCF-style: chr11-108159680-TATTTTTTCCCTTAACTCTGTTAGGG-T.
Other names: c.4110-19_4115del (NM_001351834.2).
Identifiers: ClinVar variation 3379260 (VCV003379260.1).